The following is an entry in ClinVar:

ClinVar aggregate classification (germline): Uncertain significance (1 of 4 stars; one submission).

Allele frequency attached by ClinVar (database versions not stated): ExAC 0.00001.
gnomAD v4.1: 3 of 1,613,142 alleles (0.00019%); highest among the groups gnomAD compares: Middle Eastern, 0.017%; no homozygotes.

Submission:

Labcorp Genetics (formerly Invitae), Labcorp
Classification: Uncertain significance. Last evaluated: 2024-10-25. Review status: criteria provided, single submitter. Criteria: Invitae Variant Classification Sherloc (09022015). Collection method: clinical testing. Allele origin: germline.
Comment: This sequence change replaces phenylalanine, which is neutral and non-polar, with cysteine, which is neutral and slightly polar, at codon 283 of the ZCCHC8 protein (p.Phe283Cys). This variant is present in population databases (rs780471461, gnomAD 0.0009%). This variant has not been reported in the literature in individuals affected with ZCCHC8-related conditions. Invitae Evidence Modeling of protein sequence and biophysical properties (such as structural, functional, and spatial information, amino acid conservation, physicochemical variation, residue mobility, and thermodynamic stability) indicates that this missense variant is expected to disrupt ZCCHC8 protein function with a positive predictive value of 80%. In summary, the available evidence is currently insufficient to determine the role of this variant in disease. Therefore, it has been classified as a Variant of Uncertain Significance.

NM_017612.5(ZCCHC8):c.848T>G (p.Phe283Cys)

Gene: ZCCHC8 (zinc finger CCHC-type containing 8; minus strand). Cytogenetic location: 12q24.31.
Variant type: single nucleotide variant.
Coding change: c.848T>G on transcript NM_017612.5 (MANE Select); coding-DNA position 848, T replaced by G.
Protein change: p.Phe283Cys; replaces phenylalanine 283 with cysteine.
Molecular consequence: missense variant.
Genome position (GRCh38, 1-based): chr12:122,481,972, A>C on the plus strand (T>G on the coding strand, the complement: ZCCHC8 is on the minus strand). VCF-style: chr12-122481972-A-C. GRCh37 (hg19) VCF-style: chr12-122966519-A-C.
Other names: c.617T>G, p.Phe206Cys (NM_001350935.2); c.551T>G, p.Phe184Cys (NM_001350936.2); c.134T>G, p.Phe45Cys (NM_001350937.2, NM_001350938.2); short protein forms F206C, F283C, F45C, F184C.
Identifiers: ClinVar variation 2764720 (VCV002764720.3), dbSNP rs780471461, ClinGen allele CA6846349.
Genomic context (GRCh38, chr12:122,481,972, plus strand): 5'-AAATGACCTTCTATGGTAAAATGCCATTAGTACCTAATAACTCCTGGCTTGAATCTTCCA[A>C]ATCTTTCTTCTACTTCTTCTGCGTGGTATCGCTGCTGGAAATTCTGATTGTTTGCTTCTC-3'
Protein context (NP_060082.2, residues 273-293): RYHAEEVEER[Phe283Cys]GRFKPGVISE